The following is an entry in ClinVar:

NM_001267550.2(TTN):c.57987G>T (p.Glu19329Asp)

Genes: TTN (titin; minus strand), TTN-AS1 (TTN antisense RNA 1; plus strand). Cytogenetic location: 2q31.2.
Variant type: single nucleotide variant.
Coding change: c.57987G>T on transcript NM_001267550.2 (MANE Select); coding-DNA position 57987, G replaced by T.
Protein change: p.Glu19329Asp; replaces glutamic acid 19329 with aspartic acid.
Molecular consequence: missense variant.
Genome position (GRCh38, 1-based): chr2:178,594,507, C>A on the plus strand (G>T on the coding strand, the complement: TTN is on the minus strand). VCF-style: chr2-178594507-C-A. GRCh37 (hg19) VCF-style: chr2-179459234-C-A.
Other names: c.53064G>T, p.Glu17688Asp (NM_001256850.1); c.30792G>T, p.Glu10264Asp (NM_003319.4); c.50283G>T, p.Glu16761Asp (NM_133378.4); c.31167G>T, p.Glu10389Asp (NM_133432.3); c.31368G>T, p.Glu10456Asp (NM_133437.4); short protein forms E10264D, E10456D, E10389D, E17688D, E16761D, E19329D.
Identifiers: ClinVar variation 4982916 (VCV004982916.1).

ClinVar aggregate classification (germline): Uncertain significance (1 of 4 stars; one submission).

Conditions:
TTN-related disorder. Also called: TTN-related disorders; TTN-related condition; TTN-related disease.

gnomAD v4.1: 4 of 1,613,260 alleles (0.00025%); highest among the groups gnomAD compares: African/African-American, 0.0053%; no homozygotes.

Submission:

PreventionGenetics, part of Exact Sciences
Classification: Uncertain significance for TTN-related condition. Last evaluated: 2025-06-19. Review status: criteria provided, single submitter. Criteria: ACMG Guidelines, 2015. Collection method: clinical testing. Allele origin: germline.
Comment: The TTN c.57987G>T variant is predicted to result in the amino acid substitution p.Glu19329Asp. To our knowledge, this variant has not been reported in the literature. This variant is reported in 0.0083% of alleles in individuals of African descent in gnomAD. At this time, the clinical significance of this variant is uncertain due to the absence of conclusive functional and genetic evidence.